The following is an entry in ClinVar:

ClinVar aggregate classification (germline): Uncertain significance. Review status: criteria provided, multiple submitters, no conflicts (2 of 4 stars). 2 submissions from 2 submitters: Uncertain significance (2). Last evaluated 2024-02-28.

Conditions:
Odonto-onycho-dermal dysplasia. Identifiers: Orphanet 2721, MedGen C0796093, MONDO:0009773, OMIM 257980.
Tooth agenesis, selective, 4 (STHAG4). Also called: LATERAL INCISORS, ABSENCE OF; LATERAL INCISORS, PEGGED OR MISSING; SUCCEDANEOUS TEETH, AGENESIS OF; TOOTH AGENESIS, SELECTIVE, 4, WITH OR WITHOUT ECTODERMAL DYSPLASIA. Identifiers: Orphanet 99798, MedGen C1835492, MONDO:0007881, OMIM 150400. Disease mechanism: loss of function.
Inborn genetic diseases. Identifiers: MedGen C0950123, MeSH D030342.

Allele frequency attached by ClinVar (database versions not stated): gnomAD exomes below 0.00001.
gnomAD v4.1: 1 of 1,614,170 alleles (0.000062%); highest among the groups gnomAD compares: Non-Finnish European, 0.000085%; no homozygotes.

Submissions (2):

Ambry Genetics
Classification: Uncertain significance for Inborn genetic diseases. Last evaluated: 2024-02-28. Review status: criteria provided, single submitter. Criteria: Ambry Variant Classification Scheme 2023. Collection method: clinical testing. Allele origin: germline.

Labcorp Genetics (formerly Invitae), Labcorp
Classification: Uncertain significance for Tooth agenesis, selective, 4; Odonto-onycho-dermal dysplasia. Last evaluated: 2020-08-03. Review status: criteria provided, single submitter. Criteria: Invitae Variant Classification Sherloc (09022015). Collection method: clinical testing. Allele origin: germline.
Comment: In summary, the available evidence is currently insufficient to determine the role of this variant in disease. Therefore, it has been classified as a Variant of Uncertain Significance. Algorithms developed to predict the effect of missense changes on protein structure and function (SIFT, PolyPhen-2, Align-GVGD) all suggest that this variant is likely to be disruptive, but these predictions have not been confirmed by published functional studies and their clinical significance is uncertain. This variant has been observed in individual(s) with clinical features of WNT10A-related conditions (Invitae). It has also been observed to segregate with disease in related individuals. This variant is not present in population databases (ExAC no frequency). This sequence change replaces alanine with valine at codon 92 of the WNT10A protein (p.Ala92Val). The alanine residue is highly conserved and there is a small physicochemical difference between alanine and valine.

NM_025216.3(WNT10A):c.275C>T (p.Ala92Val)

Gene: WNT10A (Wnt family member 10A; plus strand). Cytogenetic location: 2q35.
Variant type: single nucleotide variant.
Coding change: c.275C>T on transcript NM_025216.3 (MANE Select); coding-DNA position 275, C replaced by T.
Protein change: p.Ala92Val; replaces alanine 92 with valine.
Molecular consequence: missense variant.
Genome position (GRCh38, 1-based): chr2:218,882,322, C>T. VCF-style: chr2-218882322-C-T. GRCh37 (hg19) VCF-style: chr2-219747044-C-T.
Other names: short protein forms A92V.
Identifiers: ClinVar variation 532828 (VCV000532828.10), dbSNP rs1553622317, ClinGen allele CA350618834.